The following is an entry in ClinVar:

ClinVar aggregate classification (germline): Uncertain significance. Review status: criteria provided, multiple submitters, no conflicts (2 of 4 stars). 2 submissions from 2 submitters: Uncertain significance (2). Last evaluated 2023-05-29.

Conditions:
Hereditary cancer-predisposing syndrome. Also called: Neoplastic Syndromes, Hereditary; Hereditary Cancer Syndrome; Tumor predisposition; Hereditary neoplastic syndrome. Identifiers: Orphanet 140162, MedGen C0027672, MeSH D009386, MONDO:0015356.
Familial cancer of breast. Also called: hereditary breast carcinoma; Hereditary breast cancer; BREAST CANCER, FAMILIAL. Identifiers: Orphanet 227535, MedGen C0346153, MONDO:0016419, OMIM 114480. Disease mechanism: loss of function.

Submissions (2):

Ambry Genetics
Classification: Uncertain significance for Hereditary cancer-predisposing syndrome. Last evaluated: 2023-05-29. Review status: criteria provided, single submitter. Criteria: Ambry Variant Classification Scheme 2023. Collection method: clinical testing. Allele origin: germline.
Comment: The p.F115V variant (also known as c.343T>G), located in coding exon 2 of the CHEK2 gene, results from a T to G substitution at nucleotide position 343. The phenylalanine at codon 115 is replaced by valine, an amino acid with highly similar properties. This amino acid position is conserved. In addition, this alteration is predicted to be deleterious by in silico analysis. Since supporting evidence is limited at this time, the clinical significance of this alteration remains unclear.

Labcorp Genetics (formerly Invitae), Labcorp
Classification: Uncertain significance for Familial cancer of breast. Last evaluated: 2019-10-10. Review status: criteria provided, single submitter. Criteria: Invitae Variant Classification Sherloc (09022015). Collection method: clinical testing. Allele origin: germline.
Comment: In summary, the available evidence is currently insufficient to determine the role of this variant in disease. Therefore, it has been classified as a Variant of Uncertain Significance. Algorithms developed to predict the effect of missense changes on protein structure and function (SIFT, PolyPhen-2, Align-GVGD) all suggest that this variant is likely to be disruptive, but these predictions have not been confirmed by published functional studies and their clinical significance is uncertain. This variant has not been reported in the literature in individuals with CHEK2-related conditions. This variant is not present in population databases (ExAC no frequency). This sequence change replaces phenylalanine with valine at codon 115 of the CHEK2 protein (p.Phe115Val). The phenylalanine residue is highly conserved and there is a small physicochemical difference between phenylalanine and valine.

NM_007194.4(CHEK2):c.343T>G (p.Phe115Val)

Gene: CHEK2 (checkpoint kinase 2; minus strand). Cytogenetic location: 22q12.1.
Variant type: single nucleotide variant.
Coding change: c.343T>G on transcript NM_007194.4 (MANE Select); coding-DNA position 343, T replaced by G.
Protein change: p.Phe115Val; replaces phenylalanine 115 with valine.
Molecular consequence: missense variant.
Genome position (GRCh38, 1-based): chr22:28,725,344, A>C on the plus strand (T>G on the coding strand, the complement: CHEK2 is on the minus strand). VCF-style: chr22-28725344-A-C. GRCh37 (hg19) VCF-style: chr22-29121332-A-C.
Other names: c.472T>G, p.Phe158Val (NM_001005735.3); c.-435T>G (NM_001257387.3); c.343T>G, p.Phe115Val (NM_001349956.3, NM_145862.3); short protein forms F158V, F115V.
Identifiers: ClinVar variation 970042 (VCV000970042.12), dbSNP rs1060502695, ClinGen allele CA411108213.